The following is an entry in ClinVar:

ClinVar aggregate classification (germline): Pathogenic (1 of 4 stars; one submission).

Submission:

Labcorp Genetics (formerly Invitae), Labcorp
Classification: Pathogenic. Last evaluated: 2025-11-19. Review status: criteria provided, single submitter. Criteria: Invitae Variant Classification Sherloc (09022015). Collection method: clinical testing. Allele origin: germline.
Comment: This sequence change creates a premature translational stop signal (p.Leu341*) in the SCYL1 gene. It is expected to result in an absent or disrupted protein product. Loss-of-function variants in SCYL1 are known to be pathogenic (PMID: 23175812, 26581903). This variant is not present in population databases (gnomAD no frequency). This variant has not been reported in the literature in individuals affected with SCYL1-related conditions. For these reasons, this variant has been classified as Pathogenic.

Literature cited by the submitters: PubMed 23175812; PubMed 26581903.

NM_020680.4(SCYL1):c.1021del (p.Phe340_Leu341insTer)

Gene: SCYL1 (SCY1 like pseudokinase 1; plus strand). Cytogenetic location: 11q13.1.
Variant type: Deletion.
Coding change: c.1021del on transcript NM_020680.4 (MANE Select); coding-DNA position 1021, one base deleted (C; older notation c.1021delC).
Protein change: p.Phe340_Leu341insTer.
Molecular consequence: nonsense.
Genome position (GRCh38, 1-based): chr11:65,531,588, C deleted; the last of 2 consecutive C bases (chr11:65,531,587-65,531,588); deleting either gives the same sequence. VCF-style (leftmost placement, unchanged base first): chr11-65531586-TC-T. GRCh37 (hg19) VCF-style: chr11-65299057-TC-T.
Other names: c.1021del, p.Phe340_Leu341insTer (NM_001048218.2, NM_001411022.1, NM_001425179.1 and 18 more transcripts); c.1018del, p.Phe339_Leu340insTer (NM_001425180.1, NM_001425183.1); c.937del, p.Phe312_Leu313insTer (NM_001425189.1); c.766del, p.Phe255_Leu256insTer (NM_001425199.1); c.757del, p.Phe252_Leu253insTer (NM_001425200.1); c.592del, p.Phe197_Leu198insTer (NM_001425203.1, NM_001425204.1, NM_001425205.1 and 2 more transcripts); c.409del, p.Phe136_Leu137insTer (NM_001425208.1, NM_001425209.1, NM_001425210.1 and 1 more transcripts).
Identifiers: ClinVar variation 4761686 (VCV004761686.1).